The following is an entry in ClinVar:

NM_002234.4(KCNA5):c.1626G>T (p.Gln542His)

Gene: KCNA5 (potassium voltage-gated channel subfamily A member 5; plus strand). Cytogenetic location: 12p13.32.
Variant type: single nucleotide variant.
Coding change: c.1626G>T on transcript NM_002234.4 (MANE Select); coding-DNA position 1626, G replaced by T.
Protein change: p.Gln542His; replaces glutamine 542 with histidine.
Molecular consequence: missense variant.
Genome position (GRCh38, 1-based): chr12:5,045,773, G>T. VCF-style: chr12-5045773-G-T. GRCh37 (hg19) VCF-style: chr12-5154939-G-T.
Other names: short protein forms Q542H.
Identifiers: ClinVar variation 4887827 (VCV004887827.1).

ClinVar aggregate classification (germline): Uncertain significance (1 of 4 stars; one submission).

Submission:

GeneDx
Classification: Uncertain significance. Last evaluated: 2026-02-17. Review status: criteria provided, single submitter. Criteria: GeneDx Variant Classification Process June 2021. Collection method: clinical testing. Allele origin: germline.
Comment: Not observed at significant frequency in large population cohorts (gnomAD); In silico analysis suggests that this missense variant does not alter protein structure/function; Has not been previously published as pathogenic or benign to our knowledge